The following is an entry in ClinVar:

ClinVar aggregate classification (germline): Likely benign (1 of 4 stars; one submission).

Conditions:
Breast-ovarian cancer, familial, susceptibility to, 2 (BROVCA2). Also called: BRCA2 Hereditary Breast and Ovarian Cancer. Identifiers: Orphanet 145, MedGen C2675520, MONDO:0012933, OMIM 612555. Disease mechanism: loss of function.

gnomAD v4.1: 1 of 1,614,032 alleles (0.000062%); highest among the groups gnomAD compares: South Asian, 0.0011%; no homozygotes.

Submission:

Cancer Bioinformatics and Tumour Evolution Laboratory, Monash University
Classification: Likely benign for Breast-ovarian cancer, familial, susceptibility to, 2. Last evaluated: 2026-05-01. Review status: criteria provided, single submitter. Criteria: ClinGen BRCA1 and BRCA2 Guidelines, 2024. Collection method: curation. Allele origin: germline. Inheritance: Autosomal dominant inheritance.
Comment: Missense variant outside of a functional domain with no splice impact. BRCA1 and BRCA2 VCEP guidelines recommend application of BP1_Strong (PMID: 39142283)

NM_000059.4(BRCA2):c.4712A>G (p.Glu1571Gly)

Gene: BRCA2 (BRCA2 DNA repair associated; plus strand). Cytogenetic location: 13q13.1.
Variant type: single nucleotide variant.
Coding change: c.4712A>G on transcript NM_000059.4 (MANE Select); coding-DNA position 4712, A replaced by G.
Protein change: p.Glu1571Gly; replaces glutamic acid 1571 with glycine.
Molecular consequence: missense variant. On other transcripts: non-coding transcript variant (1), intron variant (2).
Genome position (GRCh38, 1-based): chr13:32,339,067, A>G. VCF-style: chr13-32339067-A-G. GRCh37 (hg19) VCF-style: chr13-32913204-A-G.
Other names: c.4712A>G, p.Glu1571Gly (NM_001406719.1, NM_001406720.1, NM_001432077.1); c.1910-5491A>G (NM_001406721.1); c.425-5491A>G (NM_001406722.1); short protein forms E1571G.
Identifiers: ClinVar variation 4856471 (VCV004856471.1).